The following is an entry in ClinVar:

ClinVar aggregate classification (germline): Pathogenic (0 of 4 stars; one submission).

Conditions:
Familial cancer of breast. Also called: BREAST CANCER, FAMILIAL; Hereditary breast cancer; hereditary breast carcinoma. Identifiers: Orphanet 227535, MedGen C0346153, MONDO:0016419, OMIM 114480. Disease mechanism: loss of function.

Submission:

Leiden Open Variation Database
Classification: Pathogenic for Familial cancer of breast. Last evaluated: 2019-05-13. Review status: no assertion criteria provided. Collection method: curation. Allele origin: germline. Affected: yes.
Comment: Curators: Marc Tischkowitz, Arleen D. Auerbach. Submitter to LOVD: Marc Tischkowitz.

Literature cited by the submitters: PubMed 24136930.

NM_024675.4(PALB2):c.2587-404_2834+310del

Gene: PALB2 (partner and localizer of BRCA2; minus strand). Cytogenetic location: 16p12.2.
Variant type: Deletion.
Coding change: c.2587-404_2834+310del on transcript NM_024675.4 (MANE Select); 404 bases into the intron before coding-DNA position 2587 through 310 bases into the intron after coding-DNA position 2834, 3,103 bases deleted.
Molecular consequence: splice acceptor variant, splice donor variant.
Genome position (GRCh38, 1-based): chr16:23,623,699-23,626,801, 3,103 bases deleted. GRCh37 (hg19): chr16:23,635,030-23,638,132.
Identifiers: ClinVar variation 830173 (VCV000830173.2), ClinGen allele CA916081817.